The following is an entry in ClinVar:

ClinVar aggregate classification (germline): Likely pathogenic. Review status: criteria provided, multiple submitters, no conflicts (2 of 4 stars). 2 submissions from 2 submitters: Likely pathogenic (2). Last evaluated 2025-09-16.

Conditions:
Cardiovascular phenotype. Identifiers: MedGen CN230736.
Autosomal recessive limb-girdle muscular dystrophy type 2J (LGMDR10). Also called: Limb-girdle muscular dystrophy, type 2J; MUSCULAR DYSTROPHY, LIMB-GIRDLE, AUTOSOMAL RECESSIVE 10. Identifiers: Orphanet 140922, MedGen C1837342, MONDO:0012127, OMIM 608807.
Dilated cardiomyopathy 1G (CMD1G). Identifiers: Orphanet 154, MedGen C1858763, MONDO:0011400, OMIM 604145.

Submissions (2):

Labcorp Genetics (formerly Invitae), Labcorp
Classification: Likely pathogenic for Dilated cardiomyopathy 1G; Autosomal recessive limb-girdle muscular dystrophy type 2J. Last evaluated: 2025-09-16. Review status: criteria provided, single submitter. Criteria: Invitae Variant Classification Sherloc (09022015). Collection method: clinical testing. Allele origin: germline.
Comment: This sequence change creates a premature translational stop signal (p.Thr4073Argfs*3) in the TTN gene. While this is not anticipated to result in nonsense mediated decay, it is expected to create a truncated TTN protein. This variant is not present in population databases (gnomAD no frequency). This variant has not been observed in the literature in individuals with autosomal recessive TTN-related conditions. This variant has been reported in individual(s) with autosomal domiant dilated cardiomyopathy (internal data); however, the role of the variant in this condition is currently unclear. ClinVar contains an entry for this variant (Variation ID: 3812241). This variant is located in the I band of TTN (PMID: 25589632). Truncating variants in this region have been reported in individuals affected with autosomal recessive centronuclear myopathy (PMID: 23975875, internal data). Truncating variants in this region have also been identified in individuals affected with autosomal dominant dilated cardiomyopathy and/or cardio-related conditions (PMID: 27869827, 32964742, internal data). In summary, the currently available evidence indicates that the variant is pathogenic, but additional data are needed to prove that conclusively. Therefore, this variant has been classified as Likely Pathogenic.

Ambry Genetics
Classification: Likely pathogenic for Cardiovascular phenotype. Last evaluated: 2025-01-24. Review status: criteria provided, single submitter. Criteria: Ambry Variant Classification Scheme 2023. Collection method: clinical testing. Allele origin: germline.
Comment: The c.11128delA variant, located in coding exon 44 of the TTN gene, results from a deletion of one nucleotide at nucleotide position 11128, causing a translational frameshift with a predicted alternate stop codon (p.T3710Rfs*3). This exon is located in the I-band region of the N2-B isoform of the titin protein and is constitutively expressed in TTN transcripts (percent spliced in or PSI 100%). This variant is considered to be rare based on population cohorts in the Genome Aggregation Database (gnomAD). This alteration is expected to result in loss of function by premature protein truncation or nonsense-mediated mRNA decay. While truncating variants in TTN are present in 1-3% of the general population, truncating variants in the A-band are the most common cause of dilated cardiomyopathy (DCM) (Herman DS et al. N. Engl. J. Med., 2012 Feb;366:619-28; Roberts AM et al. Sci Transl Med, 2015 Jan;7:270ra6). TTN truncating variants encoded in constitutive exons (PSI >90%) have been found to be significantly associated with DCM regardless of their position in titin (Schafer S et al. Nat. Genet., 2017 01;49:46-53). Based on the majority of available evidence to date, this variant is likely to be pathogenic.

Literature cited by the submitters: PubMed 25589632 (cited by Labcorp Genetics (formerly Invitae), Labcorp); PubMed 23975875 (cited by Labcorp Genetics (formerly Invitae), Labcorp); PubMed 27869827 (cited by Labcorp Genetics (formerly Invitae), Labcorp); PubMed 32964742 (cited by Labcorp Genetics (formerly Invitae), Labcorp).

NM_001267550.2(TTN):c.12217del (p.Thr4073fs)

Gene: TTN (titin; minus strand). Cytogenetic location: 2q31.2.
Variant type: Deletion.
Coding change: c.12217del on transcript NM_001267550.2 (MANE Select); coding-DNA position 12217, one base deleted (A; older notation c.12217delA).
Protein change: p.Thr4073fs; shifts the reading frame from threonine 4073.
Molecular consequence: frameshift variant. On other transcripts: intron variant (1).
Genome position (GRCh38, 1-based): chr2:178,741,016, T deleted on the plus strand (A on the coding strand, the reverse complement: TTN is on the minus strand); the first of 2 consecutive T bases (chr2:178,741,016-178,741,017); deleting either gives the same sequence. VCF-style (leftmost placement, unchanged base first): chr2-178741015-GT-G. GRCh37 (hg19) VCF-style: chr2-179605742-GT-G.
Other names: c.11266del, p.Thr3756fs (NM_001256850.1); c.11128del, p.Thr3710fs (NM_003319.4); c.11503del, p.Thr3835fs (NM_133432.3); c.11704del, p.Thr3902fs (NM_133437.4); c.10361-2656del (NM_133378.4); c.11128delA (NM_003319.4); short protein forms T3710fs, T4073fs, T3756fs, T3902fs, T3835fs.
Identifiers: ClinVar variation 3812241 (VCV003812241.2).